The following is an entry in ClinVar:

ClinVar aggregate classification (germline): Pathogenic (1 of 4 stars; one submission).

Conditions:
Hereditary breast ovarian cancer syndrome. Also called: Hereditary breast and ovarian cancer; Hereditary breast and ovarian cancer syndrome (HBOC); Breast and ovarian cancer; Hereditary breast and/or ovarian cancer syndrome; BRCA1- and BRCA2-Associated Hereditary Breast and Ovarian Cancer; Hereditary breast and ovarian cancer syndrome. Identifiers: Orphanet 145, MedGen C0677776, MeSH D061325, MONDO:0003582. Disease mechanism: loss of function.

Submissions (2):

Labcorp Genetics (formerly Invitae), Labcorp
Classification: Pathogenic for Hereditary breast ovarian cancer syndrome. Last evaluated: 2025-07-18. Review status: criteria provided, single submitter. Criteria: Invitae Variant Classification Sherloc (09022015). Collection method: clinical testing. Allele origin: germline.
Comment: This sequence change affects a donor splice site in intron 22 of the BRCA1 gene. While this variant is not anticipated to result in nonsense mediated decay, it likely alters RNA splicing and results in a disrupted protein product. This variant is not present in population databases (gnomAD no frequency). Disruption of this splice site has been observed in individual(s) with breast and/or ovarian cancer (PMID: 18694767, 29446198, 34926252). ClinVar contains an entry for this variant (Variation ID: 868925). Variants that disrupt the consensus splice site are a relatively common cause of aberrant splicing (PMID: 17576681, 9536098). Algorithms developed to predict the effect of sequence changes on RNA splicing suggest that this variant may disrupt the consensus splice site. This variant disrupts a region of the BRCA1 protein in which other variant(s) (p.Tyr1853*) have been determined to be pathogenic (PMID: 7894493, 10811118, 11739404, 12400015, 20104584, 21922593, 24504028). This suggests that this is a clinically significant region of the protein, and that variants that disrupt it are likely to be disease-causing. For these reasons, this variant has been classified as Pathogenic.

Brotman Baty Institute, University of Washington
No classification provided (evidence only). Condition: Breast-ovarian cancer, familial 1. Review status: no classification provided. Collection method: in vitro. Allele origin: not applicable. Functional consequence: functionally_abnormal. Not counted in ClinVar's aggregate classification.
ClinVar note: "not provided" was previously submitted as the classification for the variant. However, the classification appeared to be based only on an observation of functional data so it was converted to no classification on 2025-07-30.

Literature cited by the submitters: PubMed 18694767 (cited by Labcorp Genetics (formerly Invitae), Labcorp); PubMed 29446198 (cited by Labcorp Genetics (formerly Invitae), Labcorp); PubMed 34926252 (cited by Labcorp Genetics (formerly Invitae), Labcorp); PubMed 17576681 (cited by Labcorp Genetics (formerly Invitae), Labcorp); PubMed 9536098 (cited by Labcorp Genetics (formerly Invitae), Labcorp); PubMed 7894493 (cited by Labcorp Genetics (formerly Invitae), Labcorp); PubMed 10811118 (cited by Labcorp Genetics (formerly Invitae), Labcorp); PubMed 11739404 (cited by Labcorp Genetics (formerly Invitae), Labcorp); PubMed 12400015 (cited by Labcorp Genetics (formerly Invitae), Labcorp); PubMed 20104584 (cited by Labcorp Genetics (formerly Invitae), Labcorp); PubMed 21922593 (cited by Labcorp Genetics (formerly Invitae), Labcorp); PubMed 24504028 (cited by Labcorp Genetics (formerly Invitae), Labcorp).

NM_007294.4(BRCA1):c.5467+2T>A

Gene: BRCA1 (BRCA1 DNA repair associated; minus strand). Cytogenetic location: 17q21.31.
Variant type: single nucleotide variant.
Coding change: c.5467+2T>A on transcript NM_007294.4 (MANE Select); the canonical splice donor site of the intron after coding-DNA position 5467, T replaced by A.
Molecular consequence: splice donor variant.
Genome position (GRCh38, 1-based): chr17:43,047,641, A>T on the plus strand (T>A on the coding strand, the complement: BRCA1 is on the minus strand). VCF-style: chr17-43047641-A-T. GRCh37 (hg19) VCF-style: chr17-41199658-A-T.
Other names: c.5131+2T>A (NM_001407952.1, NM_001407950.1, NM_001407951.1 and 3 more transcripts); c.5320+2T>A (NM_001407841.1, NM_001407838.1, NM_001407853.1 and 12 more transcripts); c.5260+2T>A (NM_001407874.1, NM_001407875.1); c.2077+2T>A (NM_001408416.1, NM_001408414.1, NM_001408415.1 and 2 more transcripts); c.5254+2T>A (NM_001407571.1, NM_001407907.1, NM_001407902.1 and 12 more transcripts); c.5134+2T>A (NM_001407948.1, NM_001407947.1, NM_001407946.1 and 1 more transcripts); c.1945+2T>A (NM_001408484.1, NM_001408485.1, NM_001408483.1 and 5 more transcripts); c.1948+2T>A (NM_001408478.1, NM_001408479.1, NM_001408480.1); and 83 more.
Identifiers: ClinVar variation 868925 (VCV000868925.4), dbSNP rs80358009, ClinGen allele CA10590413.
Genomic context (GRCh38, chr17:43,047,641, plus strand): 5'-AGTGATAAACCAAACCCATGCAAAAGGACCCCATATAGCACAGGTACATGCAGGCACCTT[A>T]CCATGGAAGCCATTGTCCTCTGTCCAGGCATCTGGCTGCACAACCACAATTGGGTGGACA-3'